The following is an entry in ClinVar:

NM_004168.4(SDHA):c.496G>A (p.Gly166Arg)

Gene: SDHA (succinate dehydrogenase complex flavoprotein subunit A; plus strand). Cytogenetic location: 5p15.33.
Variant type: single nucleotide variant.
Coding change: c.496G>A on transcript NM_004168.4 (MANE Select); coding-DNA position 496, G replaced by A.
Protein change: p.Gly166Arg; replaces glycine 166 with arginine.
Molecular consequence: missense variant.
Genome position (GRCh38, 1-based): chr5:225,922, G>A. VCF-style: chr5-225922-G-A. GRCh37 (hg19) VCF-style: chr5-226037-G-A.
Other names: c.352G>A, p.Gly118Arg (NM_001294332.2); c.496G>A, p.Gly166Arg (NM_001330758.2); short protein forms G166R, G118R.
Identifiers: ClinVar variation 412362 (VCV000412362.15), dbSNP rs1060503712, ClinGen allele CA16611865.

ClinVar aggregate classification (germline): Uncertain significance (1 of 4 stars; one submission).

Conditions:
Mitochondrial complex II deficiency, nuclear type 1. Also called: SUCCINATE CoQ REDUCTASE DEFICIENCY. Identifiers: Orphanet 3208, MedGen C5700310, MONDO:0100294, OMIM 252011.
Pheochromocytoma/paraganglioma syndrome 5. Also called: SDHA-Related Hereditary Paraganglioma-Pheochromocytoma Syndrome; Paragangliomas 5. Identifiers: Orphanet 29072, MedGen C3279992, MONDO:0013602, OMIM 614165.

Submission:

Labcorp Genetics (formerly Invitae), Labcorp
Classification: Uncertain significance for Pheochromocytoma/paraganglioma syndrome 5; Mitochondrial complex II deficiency, nuclear type 1. Last evaluated: 2025-09-03. Review status: criteria provided, single submitter. Criteria: Invitae Variant Classification Sherloc (09022015). Collection method: clinical testing. Allele origin: germline.
Comment: This sequence change replaces glycine, which is neutral and non-polar, with arginine, which is basic and polar, at codon 166 of the SDHA protein (p.Gly166Arg). This variant is not present in population databases (gnomAD no frequency). This variant has not been reported in the literature in individuals affected with SDHA-related conditions. ClinVar contains an entry for this variant (Variation ID: 412362). Invitae Evidence Modeling of protein sequence and biophysical properties (such as structural, functional, and spatial information, amino acid conservation, physicochemical variation, residue mobility, and thermodynamic stability) has been performed for this missense variant. However, the output from this modeling did not meet the statistical confidence thresholds required to predict the impact of this variant on SDHA protein function. In summary, the available evidence is currently insufficient to determine the role of this variant in disease. Therefore, it has been classified as a Variant of Uncertain Significance.